The following is an entry in ClinVar:

ClinVar aggregate classification (germline): Pathogenic (1 of 4 stars; one submission).

Conditions:
Hereditary cancer-predisposing syndrome. Also called: Hereditary Cancer Syndrome; Hereditary neoplastic syndrome; Neoplastic Syndromes, Hereditary; Tumor predisposition. Identifiers: Orphanet 140162, MedGen C0027672, MeSH D009386, MONDO:0015356.

Submission:

Ambry Genetics
Classification: Pathogenic for Hereditary cancer-predisposing syndrome. Last evaluated: 2021-04-05. Review status: criteria provided, single submitter. Criteria: Ambry Variant Classification Scheme 2023. Collection method: clinical testing. Allele origin: germline.
Comment: The c.103delC pathogenic mutation, located in coding exon 2 of the PALB2 gene, results from a deletion of one nucleotide at nucleotide position 103, causing a translational frameshift with a predicted alternate stop codon (p.L35Ffs*18). This alteration is expected to result in loss of function by premature protein truncation or nonsense-mediated mRNA decay. As such, this alteration is interpreted as a disease-causing mutation.

NM_024675.4(PALB2):c.103del (p.Leu35fs)

Gene: PALB2 (partner and localizer of BRCA2; minus strand). Cytogenetic location: 16p12.2.
Variant type: Deletion.
Coding change: c.103del on transcript NM_024675.4 (MANE Select); coding-DNA position 103, one base deleted (C; older notation c.103delC).
Protein change: p.Leu35fs; shifts the reading frame from leucine 35.
Molecular consequence: frameshift variant.
Genome position (GRCh38, 1-based): chr16:23,638,075, G deleted on the plus strand (C on the coding strand, the reverse complement: PALB2 is on the minus strand); the first of 2 consecutive G bases (chr16:23,638,075-23,638,076); deleting either gives the same sequence. VCF-style (leftmost placement, unchanged base first): chr16-23638074-AG-A. GRCh37 (hg19) VCF-style: chr16-23649395-AG-A.
Other names: c.102delC, p.Leu35Phefs (NM_001407297.1, NM_001407298.1, NM_001407299.1 and 3 more transcripts); c.-784delC (NM_001407304.1, NM_001407305.1, NM_001407306.1 and 5 more transcripts); c.103delC (NM_024675.3); short protein forms L35fs.
Identifiers: ClinVar variation 1773705 (VCV001773705.2), dbSNP rs2506539351, ClinGen allele CA2580091390.